The following is an entry in ClinVar:

NM_005751.5(AKAP9):c.8647-80G>A

Gene: AKAP9 (A-kinase anchoring protein 9; plus strand). Cytogenetic location: 7q21.2.
Variant type: single nucleotide variant.
Coding change: c.8647-80G>A on transcript NM_005751.5 (MANE Select); 80 bases into the intron before coding-DNA position 8647, G replaced by A.
Molecular consequence: intron variant.
Genome position (GRCh38, 1-based): chr7:92,084,560, G>A. VCF-style: chr7-92084560-G-A. GRCh37 (hg19) VCF-style: chr7-91713874-G-A.
Other names: c.8623-80G>A (NM_147185.3); c.3292-80G>A (NM_001379277.1).
Identifiers: ClinVar variation 675393 (VCV000675393.1), dbSNP rs75434597, ClinGen allele CA161887901.
Genomic context (GRCh38, chr7:92,084,560, plus strand): 5'-AAAACCATGAATAATTTCATTTATTATGAAAGGTGTGACAGATTTGATTGATTACAGCAC[G>A]GGAAACCAGCAAAATAATTCATTGTATTCTATTTTTATTAAAGCAAAAAATATATGTACT-3'

ClinVar aggregate classification (germline): Likely benign (1 of 4 stars; one submission).

Allele frequency attached by ClinVar (database versions not stated): gnomAD 0.00692 and 0.00748; TOPMed 0.00744; 1000 Genomes Project 0.00819; 1000 Genomes Project 30x 0.00859.
gnomAD v4.1: 1,609 of 1,062,180 alleles (0.15%); highest among the groups gnomAD compares: African/African-American, 2.3%; 16 homozygotes.

Submission:

GeneDx
Classification: Likely benign. Last evaluated: 2018-06-16. Review status: criteria provided, single submitter. Criteria: GeneDx Variant Classification (06012015). Collection method: clinical testing. Allele origin: germline. Affected: yes.
Comment: This variant is considered likely benign or benign based on one or more of the following criteria: it is a conservative change, it occurs at a poorly conserved position in the protein, it is predicted to be benign by multiple in silico algorithms, and/or has population frequency not consistent with disease.